The following is an entry in ClinVar:

ClinVar aggregate classification (germline): Uncertain significance. Review status: criteria provided, multiple submitters, no conflicts (2 of 4 stars). 2 submissions from 2 submitters: Uncertain significance (2). Last evaluated 2021-12-11.

Conditions:
Hereditary cancer-predisposing syndrome. Also called: Tumor predisposition; Hereditary neoplastic syndrome; Neoplastic Syndromes, Hereditary; Hereditary Cancer Syndrome. Identifiers: Orphanet 140162, MedGen C0027672, MeSH D009386, MONDO:0015356.
Rhabdoid tumor predisposition syndrome 2 (RTPS2). Identifiers: Orphanet 231108, Orphanet 69077, MedGen C2750074, MONDO:0013224, OMIM 613325.

Submissions (2):

Labcorp Genetics (formerly Invitae), Labcorp
Classification: Uncertain significance for Rhabdoid tumor predisposition syndrome 2. Last evaluated: 2021-12-11. Review status: criteria provided, single submitter. Criteria: Invitae Variant Classification Sherloc (09022015). Collection method: clinical testing. Allele origin: germline.
Comment: In summary, the available evidence is currently insufficient to determine the role of this variant in disease. Therefore, it has been classified as a Variant of Uncertain Significance. Algorithms developed to predict the effect of missense changes on protein structure and function are either unavailable or do not agree on the potential impact of this missense change (SIFT: "Deleterious"; PolyPhen-2: "Benign"; Align-GVGD: "Class C65"). This variant has not been reported in the literature in individuals affected with SMARCA4-related conditions. This variant is not present in population databases (gnomAD no frequency). This sequence change replaces proline, which is neutral and non-polar, with leucine, which is neutral and non-polar, at codon 1527 of the SMARCA4 protein (p.Pro1527Leu).

Sema4
Classification: Uncertain significance for Hereditary cancer-predisposing syndrome. Last evaluated: 2021-07-06. Review status: criteria provided, single submitter. Criteria: Sema4 Curation Guidelines. Collection method: curation. Allele origin: germline.
Comment: The SMARCA4 c.4580C>T (p.P1527L) variant has not been reported in the literature to our knowledge. It was not observed in the large and broad cohorts of the Genome Aggregation Database (PMID: 32461654) and has not been reported in ClinVar. In silico tools suggest the impact of the variant on protein function is inconclusive, though these predictions have not been confirmed by functional studies. The evidence is insufficient to meet ACMG/AMP criteria for classifying the variant as benign or pathogenic. Thus, the clinical significance of this variant is currently uncertain.

NM_003072.5(SMARCA4):c.4484C>T (p.Pro1495Leu)

Gene: SMARCA4 (SWI/SNF related BAF chromatin remodeling complex subunit ATPase 4; plus strand). Cytogenetic location: 19p13.2.
Variant type: single nucleotide variant.
Coding change: c.4484C>T on transcript NM_003072.5 (MANE Select); coding-DNA position 4484, C replaced by T.
Protein change: p.Pro1495Leu; replaces proline 1495 with leucine.
Molecular consequence: missense variant. On other transcripts: non-coding transcript variant (1).
Genome position (GRCh38, 1-based): chr19:11,058,314, C>T. VCF-style: chr19-11058314-C-T. GRCh37 (hg19) VCF-style: chr19-11168990-C-T.
Other names: c.4484C>T, p.Pro1495Leu (NM_001128844.3); c.4394C>T, p.Pro1465Leu (NM_001128845.2); c.4391C>T, p.Pro1464Leu (NM_001128846.2); c.4385C>T, p.Pro1462Leu (NM_001128847.4, NM_001374457.1); c.4382C>T, p.Pro1461Leu (NM_001128848.2); c.4580C>T, p.Pro1527Leu (NM_001128849.3, NM_001387283.1); short protein forms P1461L, P1462L, P1465L, P1495L, P1527L, P1464L.
Identifiers: ClinVar variation 1492919 (VCV001492919.7), dbSNP rs2147086899, ClinGen allele CA404077642.